The following is an entry in ClinVar:

ClinVar aggregate classification (germline): Likely benign. Review status: criteria provided, multiple submitters, no conflicts (2 of 4 stars). 3 submissions from 3 submitters: Likely benign (3). Last evaluated 2025-04-02.

Conditions:
Hereditary breast ovarian cancer syndrome. Also called: Hereditary breast and ovarian cancer syndrome (HBOC); BRCA1- and BRCA2-Associated Hereditary Breast and Ovarian Cancer; Hereditary breast and ovarian cancer syndrome; Breast and ovarian cancer; Hereditary breast and ovarian cancer; Hereditary breast and/or ovarian cancer syndrome. Identifiers: Orphanet 145, MedGen C0677776, MeSH D061325, MONDO:0003582. Disease mechanism: loss of function.
Hereditary cancer-predisposing syndrome. Also called: Hereditary neoplastic syndrome; Neoplastic Syndromes, Hereditary; Tumor predisposition; Hereditary Cancer Syndrome. Identifiers: Orphanet 140162, MedGen C0027672, MeSH D009386, MONDO:0015356.

Submissions (3):

Labcorp Genetics (formerly Invitae), Labcorp
Classification: Likely benign for Hereditary breast ovarian cancer syndrome. Last evaluated: 2025-04-02. Review status: criteria provided, single submitter. Criteria: Invitae Variant Classification Sherloc (09022015). Collection method: clinical testing. Allele origin: germline.

University of Washington Department of Laboratory Medicine, University of Washington
Classification: Likely benign for Hereditary cancer-predisposing syndrome. Last evaluated: 2023-03-23. Review status: criteria provided, single submitter. Criteria: Dines et al. (Genet Med. 2020). Collection method: curation. Allele origin: germline.
Comment: Missense variant in a coldspot region where missense variants are very unlikely to be pathogenic (PMID:31911673).

BRCA2 exon 11 coldspot. Reclassification based on statistical prior probability.

Ambry Genetics
Classification: Likely benign for Hereditary cancer-predisposing syndrome. Last evaluated: 2019-11-18. Review status: criteria provided, single submitter. Criteria: Ambry Variant Classification Scheme 2023. Collection method: clinical testing. Allele origin: germline.

NM_000059.4(BRCA2):c.5830A>G (p.Lys1944Glu)

Gene: BRCA2 (BRCA2 DNA repair associated; plus strand). Cytogenetic location: 13q13.1.
Variant type: single nucleotide variant.
Coding change: c.5830A>G on transcript NM_000059.4 (MANE Select); coding-DNA position 5830, A replaced by G.
Protein change: p.Lys1944Glu; replaces lysine 1944 with glutamic acid.
Molecular consequence: missense variant.
Genome position (GRCh38, 1-based): chr13:32,340,185, A>G. VCF-style: chr13-32340185-A-G. GRCh37 (hg19) VCF-style: chr13-32914322-A-G.
Other names: short protein forms K1944E.
Identifiers: ClinVar variation 531537 (VCV000531537.16), dbSNP rs1555284415, ClinGen allele CA387787321.